The following is an entry in ClinVar:

ClinVar aggregate classification (germline): Uncertain significance (1 of 4 stars; one submission).

Conditions:
Familial infantile myasthenia (CMS6). Also called: MYASTHENIC SYNDROME, CONGENITAL, 6, PRESYNAPTIC; MYASTHENIC SYNDROME, PRESYNAPTIC, CONGENITAL, ASSOCIATED WITH EPISODIC APNEA; Congenital myasthenic syndrome type 6. Identifiers: Orphanet 590, MedGen C0393929, MONDO:0009689, OMIM 254210.

Allele frequency attached by ClinVar (database versions not stated): gnomAD exomes below 0.00001; TOPMed below 0.00001; gnomAD 0.00001.
gnomAD v4.1: 3 of 1,614,120 alleles (0.00019%); highest among the groups gnomAD compares: Non-Finnish European, 0.00017%; no homozygotes.

Submission:

Labcorp Genetics (formerly Invitae), Labcorp
Classification: Uncertain significance for Familial infantile myasthenia. Last evaluated: 2022-09-06. Review status: criteria provided, single submitter. Criteria: Invitae Variant Classification Sherloc (09022015). Collection method: clinical testing. Allele origin: germline.
Comment: In summary, the available evidence is currently insufficient to determine the role of this variant in disease. Therefore, it has been classified as a Variant of Uncertain Significance. Advanced modeling of protein sequence and biophysical properties (such as structural, functional, and spatial information, amino acid conservation, physicochemical variation, residue mobility, and thermodynamic stability) performed at Invitae indicates that this missense variant is not expected to disrupt CHAT protein function. ClinVar contains an entry for this variant (Variation ID: 847247). This variant has not been reported in the literature in individuals affected with CHAT-related conditions. This variant is not present in population databases (gnomAD no frequency). This sequence change replaces glutamic acid, which is acidic and polar, with glutamine, which is neutral and polar, at codon 382 of the CHAT protein (p.Glu382Gln).

NM_020549.5(CHAT):c.1144G>C (p.Glu382Gln)

Gene: CHAT (choline O-acetyltransferase; plus strand). Cytogenetic location: 10q11.23.
Variant type: single nucleotide variant.
Coding change: c.1144G>C on transcript NM_020549.5 (MANE Select); coding-DNA position 1144, G replaced by C.
Protein change: p.Glu382Gln; replaces glutamic acid 382 with glutamine.
Molecular consequence: missense variant.
Genome position (GRCh38, 1-based): chr10:49,646,537, G>C. VCF-style: chr10-49646537-G-C. GRCh37 (hg19) VCF-style: chr10-50854583-G-C.
Other names: c.790G>C, p.Glu264Gln (NM_001142929.2, NM_001142934.2, NM_020984.4 and 2 more transcripts); c.898G>C, p.Glu300Gln (NM_001142933.2); short protein forms E264Q, E382Q, E300Q.
Identifiers: ClinVar variation 847247 (VCV000847247.7), dbSNP rs1463880522, ClinGen allele CA376739578.